The following is an entry in ClinVar:

ClinVar aggregate classification (germline): Pathogenic. Review status: reviewed by expert panel (3 of 4 stars). 3 submissions from 3 submitters: Pathogenic (1). 2 of the submissions do not count toward it. Last evaluated 2016-10-18.

Conditions:
Hereditary breast ovarian cancer syndrome. Also called: Hereditary breast and ovarian cancer syndrome (HBOC); Breast and ovarian cancer; Hereditary breast and ovarian cancer syndrome; Hereditary breast and ovarian cancer; BRCA1- and BRCA2-Associated Hereditary Breast and Ovarian Cancer; Hereditary breast and/or ovarian cancer syndrome. Identifiers: Orphanet 145, MedGen C0677776, MeSH D061325, MONDO:0003582. Disease mechanism: loss of function.
Breast-ovarian cancer, familial, susceptibility to, 1 (BROVCA1). Also called: BRCA1 Hereditary Breast and Ovarian Cancer; OVARIAN CANCER, SUSCEPTIBILITY TO. Identifiers: Orphanet 145, MedGen C2676676, MONDO:0011450, OMIM 604370. Disease mechanism: loss of function.

Submissions (3):

Evidence-based Network for the Interpretation of Germline Mutant Alleles (ENIGMA)
Classification: Pathogenic for Breast-ovarian cancer, familial, susceptibility to, 1. Last evaluated: 2016-10-18. Review status: reviewed by expert panel. Criteria: ENIGMA BRCA1/2 Classification Criteria (2015). Collection method: curation. Allele origin: germline.
Comment: Variant allele predicted to encode a truncated non-functional protein.

Labcorp Genetics (formerly Invitae), Labcorp
Classification: Pathogenic for Hereditary breast ovarian cancer syndrome. Last evaluated: 2022-01-13. Review status: criteria provided, single submitter. Criteria: Invitae Variant Classification Sherloc (09022015). Collection method: clinical testing. Allele origin: germline. Not counted in ClinVar's aggregate classification.
Comment: For these reasons, this variant has been classified as Pathogenic. ClinVar contains an entry for this variant (Variation ID: 266350). This premature translational stop signal has been observed in individual(s) with a personal and/or family history of breast and/or ovarian cancer (PMID: 25863477). This variant is not present in population databases (gnomAD no frequency). This sequence change creates a premature translational stop signal (p.Leu1089*) in the BRCA1 gene. It is expected to result in an absent or disrupted protein product. Loss-of-function variants in BRCA1 are known to be pathogenic (PMID: 20104584).

Consortium of Investigators of Modifiers of BRCA1/2 (CIMBA), c/o University of Cambridge
Classification: Pathogenic for Breast-ovarian cancer, familial, susceptibility to, 1. Last evaluated: 2015-10-02. Review status: criteria provided, single submitter. Criteria: CIMBA Mutation Classification guidelines May 2016. Collection method: clinical testing. Allele origin: germline. Not counted in ClinVar's aggregate classification.

Literature cited by the submitters: PubMed 25863477 (cited by Labcorp Genetics (formerly Invitae), Labcorp); PubMed 20104584 (cited by Labcorp Genetics (formerly Invitae), Labcorp).

NM_007294.4(BRCA1):c.3266T>A (p.Leu1089Ter)

Genes: BRCA1 (BRCA1 DNA repair associated; minus strand), LOC126862571 (BRD4-independent group 4 enhancer GRCh37_chr17:41243136-41244335; plus strand). Cytogenetic location: 17q21.31.
Variant type: single nucleotide variant.
Coding change: c.3266T>A on transcript NM_007294.4 (MANE Select); coding-DNA position 3266, T replaced by A.
Protein change: p.Leu1089Ter; replaces leucine 1089 with a stop codon.
Molecular consequence: nonsense. On other transcripts: intron variant (137).
Genome position (GRCh38, 1-based): chr17:43,092,265, A>T on the plus strand (T>A on the coding strand, the complement: BRCA1 is on the minus strand). VCF-style: chr17-43092265-A-T. GRCh37 (hg19) VCF-style: chr17-41244282-A-T.
Other names: 3385T>A; c.3122T>A, p.Leu1041Ter (NM_001407743.1, NM_001407744.1, NM_001407745.1 and 20 more transcripts); c.3125T>A, p.Leu1042Ter (NM_001407750.1, NM_001407751.1, NM_001407752.1 and 29 more transcripts); c.3053T>A, p.Leu1018Ter (NM_001407853.1, NM_001407894.1, NM_001407895.1 and 9 more transcripts); c.3266T>A, p.Leu1089Ter (NM_001407854.1, NM_001407858.1, NM_001407859.1 and 30 more transcripts); c.3263T>A, p.Leu1088Ter (NM_001407860.1, NM_001407861.1, NM_001407587.1 and 22 more transcripts); c.3065T>A, p.Leu1022Ter (NM_001407862.1); c.3143T>A, p.Leu1048Ter (NM_001407863.1, NM_001407919.1, NM_001407937.1 and 19 more transcripts); and 42 more; short protein forms L1089*, L1042*, L1021*, L1022*, L1041*, L1088*, L793*, L1018*.
Identifiers: ClinVar variation 266350 (VCV000266350.10), dbSNP rs886040110, ClinGen allele CA10589771.